The following is an entry in ClinVar:

NM_001365480.1(CCDC88A):c.246G>A (p.Leu82=)

Gene: CCDC88A (coiled-coil and HOOK domain protein 88A; minus strand). Cytogenetic location: 2p16.1.
Variant type: single nucleotide variant.
Coding change: c.246G>A on transcript NM_001365480.1 (MANE Select); coding-DNA position 246, G replaced by A.
Protein change: p.Leu82=; no amino-acid change (leucine 82 retained).
Molecular consequence: synonymous variant.
Genome position (GRCh38, 1-based): chr2:55,388,805, C>T on the plus strand (G>A on the coding strand, the complement: CCDC88A is on the minus strand). VCF-style: chr2-55388805-C-T. GRCh37 (hg19) VCF-style: chr2-55615941-C-T.
Other names: c.246G>A, p.Leu82= (NM_001135597.2, NM_001254943.2, NM_018084.5).
Identifiers: ClinVar variation 1364427 (VCV001364427.8), dbSNP rs2104892738, ClinGen allele CA426146785.

ClinVar aggregate classification (germline): Uncertain significance (1 of 4 stars; one submission).

Allele frequency attached by ClinVar (database versions not stated): gnomAD exomes below 0.00001.
gnomAD v4.1: 1 of 1,510,044 alleles (0.000066%); highest among the groups gnomAD compares: Non-Finnish European, 0.000091%; no homozygotes.

Submission:

Labcorp Genetics (formerly Invitae), Labcorp
Classification: Uncertain significance. Last evaluated: 2021-01-13. Review status: criteria provided, single submitter. Criteria: Invitae Variant Classification Sherloc (09022015). Collection method: clinical testing. Allele origin: germline.
Comment: This sequence change affects codon 82 of the CCDC88A mRNA. It is a 'silent' change, meaning that it does not change the encoded amino acid sequence of the CCDC88A protein. This variant is not present in population databases (ExAC no frequency). This variant has not been reported in the literature in individuals with CCDC88A-related conditions. Algorithms developed to predict the effect of sequence changes on RNA splicing suggest that this variant may create or strengthen a splice site, but this prediction has not been confirmed by published transcriptional studies. In summary, the available evidence is currently insufficient to determine the role of this variant in disease. Therefore, it has been classified as a Variant of Uncertain Significance.